The following is an entry in ClinVar:

ClinVar aggregate classification (germline): Uncertain significance. Review status: criteria provided, multiple submitters, no conflicts (2 of 4 stars). 3 submissions from 2 submitters: Uncertain significance (3). Last evaluated 2022-09-08.

Conditions:
Bietti crystalline corneoretinal dystrophy (BCD). Also called: Bietti Crystalline Dystrophy; BIETTI TAPETORETINAL DEGENERATION WITH MARGINAL CORNEAL DYSTROPHY. Identifiers: Orphanet 41751, MedGen C1859486, MONDO:0008865, OMIM 210370.
Corneal dystrophy. Identifiers: Orphanet 34533, MedGen C0010036, MONDO:0018102, HP:0001131.

Allele frequency attached by ClinVar (database versions not stated): ExAC 0.00001; gnomAD 0.00001; TOPMed 0.00001; gnomAD exomes 0.00002.
gnomAD v4.1: 40 of 1,613,898 alleles (0.0025%); highest among the groups gnomAD compares: Admixed American, 0.0067%; no homozygotes.

Submissions (3):

Labcorp Genetics (formerly Invitae), Labcorp
Classification: Uncertain significance. Last evaluated: 2022-09-08. Review status: criteria provided, single submitter. Criteria: Invitae Variant Classification Sherloc (09022015). Collection method: clinical testing. Allele origin: germline.
Comment: This variant is present in population databases (rs761190623, gnomAD 0.009%). In summary, the available evidence is currently insufficient to determine the role of this variant in disease. Therefore, it has been classified as a Variant of Uncertain Significance. Advanced modeling of protein sequence and biophysical properties (such as structural, functional, and spatial information, amino acid conservation, physicochemical variation, residue mobility, and thermodynamic stability) performed at Invitae indicates that this missense variant is not expected to disrupt CYP4V2 protein function. ClinVar contains an entry for this variant (Variation ID: 902285). This variant has not been reported in the literature in individuals affected with CYP4V2-related conditions. This sequence change replaces leucine, which is neutral and non-polar, with isoleucine, which is neutral and non-polar, at codon 258 of the CYP4V2 protein (p.Leu258Ile).

Illumina Laboratory Services, Illumina
Classification: Uncertain significance for Bietti crystalline corneoretinal dystrophy. Last evaluated: 2018-01-13. Review status: criteria provided, single submitter. Criteria: ICSL Variant Classification Criteria 13 December 2019. Collection method: clinical testing. Allele origin: germline.

Illumina Laboratory Services, Illumina
Classification: Uncertain significance for Corneal dystrophy. Last evaluated: 2018-01-13. Review status: criteria provided, single submitter. Criteria: ICSL Variant Classification Criteria 13 December 2019. Collection method: clinical testing. Allele origin: germline.

NM_207352.4(CYP4V2):c.772C>A (p.Leu258Ile)

Gene: CYP4V2 (cytochrome P450 family 4 subfamily V member 2; plus strand). Cytogenetic location: 4q35.1.
Variant type: single nucleotide variant.
Coding change: c.772C>A on transcript NM_207352.4 (MANE Select); coding-DNA position 772, C replaced by A.
Protein change: p.Leu258Ile; replaces leucine 258 with isoleucine.
Molecular consequence: missense variant.
Genome position (GRCh38, 1-based): chr4:186,199,054, C>A. VCF-style: chr4-186199054-C-A. GRCh37 (hg19) VCF-style: chr4-187120208-C-A.
Other names: short protein forms L258I.
Identifiers: ClinVar variation 902285 (VCV000902285.11), dbSNP rs761190623, ClinGen allele CA3162644.